The following is an entry in ClinVar:

NM_000493.4(COL10A1):c.86C>T (p.Thr29Ile)

Genes: COL10A1 (collagen type X alpha 1 chain; minus strand), NT5DC1 (5'-nucleotidase domain containing 1; plus strand). Cytogenetic location: 6q22.1.
Variant type: single nucleotide variant.
Coding change: c.86C>T on transcript NM_000493.4 (MANE Select); coding-DNA position 86, C replaced by T.
Protein change: p.Thr29Ile; replaces threonine 29 with isoleucine.
Molecular consequence: missense variant. On other transcripts: intron variant (1).
Genome position (GRCh38, 1-based): chr6:116,125,407, G>A on the plus strand (C>T on the coding strand, the complement: COL10A1 is on the minus strand). VCF-style: chr6-116125407-G-A. GRCh37 (hg19) VCF-style: chr6-116446570-G-A.
Other names: c.86C>T, p.Thr29Ile (NM_001424106.1, NM_001424107.1); c.529+7462G>A (NM_152729.3); short protein forms T29I.
Identifiers: ClinVar variation 1055813 (VCV001055813.11), dbSNP rs2114308316, ClinGen allele CA365398122.
Genomic context (GRCh38, chr6:116,125,407, plus strand): 5'-TTTATGGTGTAGGGAATGAAGAACTGTGTCTTGGTGTTGGGTAGTGGGCCTTTTATGCCT[G>A]TGGGCATTTGGTATCGTTCAGCGTAAAACACTCCATGAACCAAGTTCAAGGATACTAGCA-3'
Protein context (NP_000484.2, residues 19-39): VFYAERYQMP[Thr29Ile]GIKGPLPNTK

ClinVar aggregate classification (germline): Uncertain significance (1 of 4 stars; one submission).

Allele frequency attached by ClinVar (database versions not stated): gnomAD exomes below 0.00001.
gnomAD v4.1: 2 of 1,613,820 alleles (0.00012%); highest among the groups gnomAD compares: African/African-American, 0.0013%; no homozygotes.

Submission:

Labcorp Genetics (formerly Invitae), Labcorp
Classification: Uncertain significance. Last evaluated: 2022-02-24. Review status: criteria provided, single submitter. Criteria: Invitae Variant Classification Sherloc (09022015). Collection method: clinical testing. Allele origin: germline.
Comment: Algorithms developed to predict the effect of missense changes on protein structure and function are either unavailable or do not agree on the potential impact of this missense change (SIFT: "Deleterious"; PolyPhen-2: "Not Available"; Align-GVGD: "Class C0"). In summary, the available evidence is currently insufficient to determine the role of this variant in disease. Therefore, it has been classified as a Variant of Uncertain Significance. ClinVar contains an entry for this variant (Variation ID: 1055813). This variant has not been reported in the literature in individuals affected with COL10A1-related conditions. This variant is not present in population databases (gnomAD no frequency). This sequence change replaces threonine, which is neutral and polar, with isoleucine, which is neutral and non-polar, at codon 29 of the COL10A1 protein (p.Thr29Ile).